The following is an entry in ClinVar:

ClinVar aggregate classification (germline): Uncertain significance (1 of 4 stars; one submission).

Conditions:
Autosomal recessive limb-girdle muscular dystrophy type 2L (LGMDR12). Also called: Limb-girdle muscular dystrophy, type 2L; MUSCULAR DYSTROPHY, LIMB-GIRDLE, AUTOSOMAL RECESSIVE 12; Limb-Girdle Muscular Dystrophy R12 Anoctamin-5-Related (LGMD-R12). Identifiers: Orphanet 206549, MedGen C1969785, MONDO:0012652, OMIM 611307.
Gnathodiaphyseal dysplasia (GDD). Also called: OSTEOGENESIS IMPERFECTA WITH UNUSUAL SKELETAL LESIONS; GNATHODIAPHYSEAL SCLEROSIS. Identifiers: Orphanet 53697, MedGen C1833736, MONDO:0008151, OMIM 166260.

Submission:

Labcorp Genetics (formerly Invitae), Labcorp
Classification: Uncertain significance for Autosomal recessive limb-girdle muscular dystrophy type 2L; Gnathodiaphyseal dysplasia. Last evaluated: 2018-06-04. Review status: criteria provided, single submitter. Criteria: Invitae Variant Classification Sherloc (09022015). Collection method: clinical testing. Allele origin: germline.
Comment: In summary, the available evidence is currently insufficient to determine the role of this variant in disease. Therefore, it has been classified as a Variant of Uncertain Significance. Algorithms developed to predict the effect of missense changes on protein structure and function are either unavailable or do not agree on the potential impact of this missense change (SIFT: "Deleterious"; PolyPhen-2: "Probably Damaging"; Align-GVGD: "Class C0"). This variant has not been reported in the literature in individuals with ANO5-related disease. This variant is not present in population databases (ExAC no frequency). This sequence change replaces glutamic acid with glycine at codon 868 of the ANO5 protein (p.Glu868Gly). The glutamic acid residue is highly conserved and there is a moderate physicochemical difference between glutamic acid and glycine.

NM_213599.3(ANO5):c.2603A>G (p.Glu868Gly)

Gene: ANO5 (anoctamin 5; plus strand). Cytogenetic location: 11p14.3.
Variant type: single nucleotide variant.
Coding change: c.2603A>G on transcript NM_213599.3 (MANE Select); coding-DNA position 2603, A replaced by G.
Protein change: p.Glu868Gly; replaces glutamic acid 868 with glycine.
Molecular consequence: missense variant.
Genome position (GRCh38, 1-based): chr11:22,279,626, A>G. VCF-style: chr11-22279626-A-G. GRCh37 (hg19) VCF-style: chr11-22301172-A-G.
Other names: c.2600A>G, p.Glu867Gly (NM_001142649.2); short protein forms E867G, E868G.
Identifiers: ClinVar variation 1060612 (VCV001060612.9), dbSNP rs2133810964, ClinGen allele CA379925024.